The following is an entry in ClinVar:

ClinVar aggregate classification (germline): Likely benign. Review status: criteria provided, multiple submitters, no conflicts (2 of 4 stars). 5 submissions from 5 submitters: Likely benign (4). 1 of the submissions does not count toward it. Last evaluated 2025-11-06.

Conditions:
Alstrom syndrome (ALMS). Identifiers: Orphanet 64, MedGen C0268425, MONDO:0008763, OMIM 203800.
Cardiovascular phenotype. Identifiers: MedGen CN230736.

Allele frequency attached by ClinVar (database versions not stated): gnomAD 0.00001 and 0.00002; TOPMed 0.00004; ESP Exome Variant Server 0.00008.
gnomAD v4.1: 9 of 1,614,114 alleles (0.00056%); highest among the groups gnomAD compares: African/African-American, 0.012%; 1 homozygote.

Submissions (5):

Labcorp Genetics (formerly Invitae), Labcorp
Classification: Likely benign for Alstrom syndrome. Last evaluated: 2025-11-06. Review status: criteria provided, single submitter. Criteria: Invitae Variant Classification Sherloc (09022015). Collection method: clinical testing. Allele origin: germline.

Ambry Genetics
Classification: Likely benign for Cardiovascular phenotype. Last evaluated: 2022-06-14. Review status: criteria provided, single submitter. Criteria: Ambry Variant Classification Scheme 2023. Collection method: clinical testing. Allele origin: germline.

Fulgent Genetics
Classification: Likely benign for Alstrom syndrome. Last evaluated: 2022-04-11. Review status: criteria provided, single submitter. Criteria: ACMG Guidelines, 2015. Collection method: clinical testing. Allele origin: unknown.

Laboratory for Molecular Medicine, Mass General Brigham Personalized Medicine
Classification: Likely benign. Last evaluated: 2018-07-18. Review status: criteria provided, single submitter. Criteria: LMM Criteria. Collection method: clinical testing. Allele origin: germline. Observed: 1 variant allele.
Comment: p.Arg2886Arg in exon 10 of ALMS1: This variant is classified as likely benign be cause it does not alter an amino acid residue, it is not located within the spli ce consensus sequence, and splice prediction algorithms do not predict a newly c reated splice site. ACMG/AMP Criteria applied: BP4, BP7, PM2.

Natera, Inc.
Classification: Likely benign for Alstrom syndrome. Last evaluated: 2020-12-18. Review status: no assertion criteria provided. Collection method: clinical testing. Allele origin: germline. Not counted in ClinVar's aggregate classification.

NM_001378454.1(ALMS1):c.8655A>G (p.Arg2885=)

Gene: ALMS1 (ALMS1 centrosome and basal body associated protein; plus strand). Cytogenetic location: 2p13.1.
Variant type: single nucleotide variant.
Coding change: c.8655A>G on transcript NM_001378454.1 (MANE Select); coding-DNA position 8655, A replaced by G.
Protein change: p.Arg2885=; no amino-acid change (arginine 2885 retained).
Molecular consequence: synonymous variant.
Genome position (GRCh38, 1-based): chr2:73,490,614, A>G. VCF-style: chr2-73490614-A-G. GRCh37 (hg19) VCF-style: chr2-73717741-A-G.
Other names: c.8658A>G, p.Arg2886= (NM_015120.4).
Identifiers: ClinVar variation 666652 (VCV000666652.15), dbSNP rs377249623, ClinGen allele CA50378994.